The following is an entry in ClinVar:

NM_001267550.2(TTN):c.94991T>A (p.Leu31664Ter)

Genes: TTN (titin; minus strand), TTN-AS1 (TTN antisense RNA 1; plus strand). Cytogenetic location: 2q31.2.
Variant type: single nucleotide variant.
Coding change: c.94991T>A on transcript NM_001267550.2 (MANE Select); coding-DNA position 94991, T replaced by A.
Protein change: p.Leu31664Ter; replaces leucine 31664 with a stop codon.
Molecular consequence: nonsense.
Genome position (GRCh38, 1-based): chr2:178,546,340, A>T on the plus strand (T>A on the coding strand, the complement: TTN is on the minus strand). VCF-style: chr2-178546340-A-T. GRCh37 (hg19) VCF-style: chr2-179411067-A-T.
Other names: c.90068T>A, p.Leu30023Ter (NM_001256850.1); c.68372T>A, p.Leu22791Ter (NM_133437.4); c.67796T>A, p.Leu22599Ter (NM_003319.4); c.87287T>A, p.Leu29096Ter (NM_133378.4); c.68171T>A, p.Leu22724Ter (NM_133432.3); short protein forms L22791*, L22724*, L22599*, L30023*, L31664*, L29096*.
Identifiers: ClinVar variation 1515027 (VCV001515027.7), dbSNP rs2154145831, ClinGen allele CA349467840.

ClinVar aggregate classification (germline): Likely pathogenic. Review status: criteria provided, multiple submitters, no conflicts (2 of 4 stars). 2 submissions from 2 submitters: Likely pathogenic (2). Last evaluated 2024-03-21.

Conditions:
Cardiovascular phenotype. Identifiers: MedGen CN230736.
Dilated cardiomyopathy 1G (CMD1G). Identifiers: Orphanet 154, MedGen C1858763, MONDO:0011400, OMIM 604145.
Autosomal recessive limb-girdle muscular dystrophy type 2J (LGMDR10). Also called: Limb-girdle muscular dystrophy, type 2J; MUSCULAR DYSTROPHY, LIMB-GIRDLE, AUTOSOMAL RECESSIVE 10. Identifiers: Orphanet 140922, MedGen C1837342, MONDO:0012127, OMIM 608807.

Submissions (2):

Ambry Genetics
Classification: Likely pathogenic for Cardiovascular phenotype. Last evaluated: 2024-03-21. Review status: criteria provided, single submitter. Criteria: Ambry Variant Classification Scheme 2023. Collection method: clinical testing. Allele origin: germline.
Comment: The p.L22599* variant (also known as c.67796T>A), located in coding exon 169 of the TTN gene, results from a T to A substitution at nucleotide position 67796. This changes the amino acid from a leucine to a stop codon within coding exon 169. This exon is located in the A-band region of the N2-B isoform of the titin protein and is constitutively expressed in TTN transcripts (percent spliced in or PSI 100%). This alteration is expected to result in loss of function by premature protein truncation or nonsense-mediated mRNA decay. While truncating variants in TTN are present in 1-3% of the general population, truncating variants in the A-band are the most common cause of dilated cardiomyopathy (DCM) (Herman DS et al. N. Engl. J. Med., 2012 Feb;366:619-28; Roberts AM et al. Sci Transl Med, 2015 Jan;7:270ra6). TTN truncating variants encoded in constitutive exons (PSI >90%) have been found to be significantly associated with DCM regardless of their position in titin (Schafer S et al. Nat. Genet., 2017 01;49:46-53). This variant is considered to be rare based on population cohorts in the Genome Aggregation Database (gnomAD). Based on the majority of available evidence to date, this variant is likely to be pathogenic.

Labcorp Genetics (formerly Invitae), Labcorp
Classification: Likely pathogenic for Dilated cardiomyopathy 1G; Autosomal recessive limb-girdle muscular dystrophy type 2J. Last evaluated: 2021-07-04. Review status: criteria provided, single submitter. Criteria: Invitae Variant Classification Sherloc (09022015). Collection method: clinical testing. Allele origin: germline.
Comment: In summary, the currently available evidence indicates that the variant is pathogenic, but additional data are needed to prove that conclusively. Therefore, this variant has been classified as Likely Pathogenic. This variant is located in the A band of TTN (PMID: 25589632). Truncating variants in this region are significantly overrepresented in patients affected with dilated cardiomyopathy (PMID: 25589632). Truncating variants in this region have also been reported in individuals affected with autosomal recessive centronuclear myopathy (PMID: 23975875). This variant has not been reported in the literature in individuals affected with TTN-related conditions. This variant is not present in population databases (ExAC no frequency). This sequence change creates a premature translational stop signal (p.Leu31664*) in the TTN gene. While this is not anticipated to result in nonsense mediated decay, it is expected to create a truncated TTN protein.

Literature cited by the submitters: PubMed 25589632 (cited by Labcorp Genetics (formerly Invitae), Labcorp); PubMed 23975875 (cited by Labcorp Genetics (formerly Invitae), Labcorp).